The following is an entry in ClinVar:

ClinVar aggregate classification (germline): Uncertain significance (1 of 4 stars; one submission).

Conditions:
Hypertrophic cardiomyopathy 26. Also called: Cardiomyopathy, familial hypertrophic, 26. Identifiers: Orphanet 75249, MedGen C4310749, MONDO:0014883, OMIM 617047.
Dilated Cardiomyopathy, Dominant.
Myofibrillar myopathy 5. Also called: Filaminopathy (type); FILAMINOPATHY, AUTOSOMAL DOMINANT. Identifiers: Orphanet 171445, MedGen C1836050, MONDO:0012289, OMIM 609524.
Distal myopathy with posterior leg and anterior hand involvement. Also called: WILLIAMS DISTAL MYOPATHY. Identifiers: Orphanet 63273, MedGen C3279722, MONDO:0013550, OMIM 614065.

gnomAD v4.1: 1 of 1,557,262 alleles (0.000064%); highest among the groups gnomAD compares: Non-Finnish European, 0.000087%; no homozygotes.

Submission:

Labcorp Genetics (formerly Invitae), Labcorp
Classification: Uncertain significance for Distal myopathy with posterior leg and anterior hand involvement; Myofibrillar myopathy 5; Hypertrophic cardiomyopathy 26. Last evaluated: 2022-03-03. Review status: criteria provided, single submitter. Criteria: Invitae Variant Classification Sherloc (09022015). Collection method: clinical testing. Allele origin: germline.
Comment: This sequence change falls in intron 30 of the FLNC gene. It does not directly change the encoded amino acid sequence of the FLNC protein. This variant is not present in population databases (gnomAD no frequency). This variant has not been reported in the literature in individuals affected with FLNC-related conditions. Algorithms developed to predict the effect of sequence changes on RNA splicing suggest that this variant may disrupt the consensus splice site. In summary, the available evidence is currently insufficient to determine the role of this variant in disease. Therefore, it has been classified as a Variant of Uncertain Significance.

NM_001458.5(FLNC):c.5200-18C>G

Gene: FLNC (filamin C; plus strand). Cytogenetic location: 7q32.1.
Variant type: single nucleotide variant.
Coding change: c.5200-18C>G on transcript NM_001458.5 (MANE Select); 18 bases into the intron before coding-DNA position 5200, C replaced by G.
Molecular consequence: intron variant.
Genome position (GRCh38, 1-based): chr7:128,849,958, C>G. VCF-style: chr7-128849958-C-G. GRCh37 (hg19) VCF-style: chr7-128490012-C-G.
Other names: c.5199+380C>G (NM_001127487.2).
Identifiers: ClinVar variation 2091110 (VCV002091110.1), dbSNP rs372184893, ClinGen allele CA2580076557.